The following is an entry in ClinVar:

NC_000006.11:g.(?_49407899)_(49409704_?)del

Gene: MMUT (methylmalonyl-CoA mutase; minus strand). Cytogenetic location: 6p12.3.
Variant type: Deletion.
Identifiers: ClinVar variation 3246080 (VCV003246080.1).

ClinVar aggregate classification (germline): Pathogenic (1 of 4 stars; one submission).

Submission:

Labcorp Genetics (formerly Invitae), Labcorp
Classification: Pathogenic. Last evaluated: 2023-03-27. Review status: criteria provided, single submitter. Criteria: Invitae Variant Classification Sherloc (09022015). Collection method: clinical testing. Allele origin: unknown.
Comment: For these reasons, this variant has been classified as Pathogenic. This variant has not been reported in the literature in individuals affected with MUT-related conditions. This variant is a gross deletion of the genomic region encompassing exon(s) 10-11 of the MUT gene. This deletion is out-of-frame, and is expected to create a premature termination codon and result in an absent or disrupted protein product. Loss-of-function variants in MUT are known to be pathogenic (PMID: 15781192).

Literature cited by the submitters: PubMed 15781192.